The following is an entry in ClinVar:

ClinVar aggregate classification (germline): Likely pathogenic (1 of 4 stars; one submission).

Conditions:
VPS13B-related disorder. Also called: VPS13B-related condition.

Submission:

PreventionGenetics, part of Exact Sciences
Classification: Likely pathogenic for VPS13B-related condition. Last evaluated: 2025-06-01. Review status: criteria provided, single submitter. Criteria: ACMG Guidelines, 2015. Collection method: clinical testing. Allele origin: germline.
Comment: The VPS13B c.7074G>A variant is predicted to result in premature protein termination (p.Trp2358*). To our knowledge, this variant has not been reported in the literature or in a large population database (gnomAD), indicating this variant is rare. Nonsense variants in VPS13B are expected to be pathogenic. This variant is interpreted as likely pathogenic.

NM_152564.5(VPS13B):c.7074G>A (p.Trp2358Ter)

Gene: VPS13B (vacuolar protein sorting 13 homolog B; plus strand). Cytogenetic location: 8q22.2.
Variant type: single nucleotide variant.
Coding change: c.7074G>A on transcript NM_152564.5 (MANE Select); coding-DNA position 7074, G replaced by A.
Protein change: p.Trp2358Ter; replaces tryptophan 2358 with a stop codon.
Molecular consequence: nonsense.
Genome position (GRCh38, 1-based): chr8:99,766,797, G>A. VCF-style: chr8-99766797-G-A. GRCh37 (hg19) VCF-style: chr8-100779025-G-A.
Other names: c.7149G>A, p.Trp2383Ter (NM_017890.5); short protein forms W2383*, W2358*.
Identifiers: ClinVar variation 5000632 (VCV005000632.1).